The following is an entry in ClinVar:

ClinVar aggregate classification (germline): Uncertain significance (1 of 4 stars; one submission).

Conditions:
Vitamin D-dependent rickets type II with alopecia (VDDR2A). Also called: GENERALIZED RESISTANCE TO 1,25-DIHYDROXYVITAMIN D; HYPOCALCEMIC VITAMIN D-RESISTANT RICKETS; PDDR IIA; PSEUDOVITAMIN D-DEFICIENCY, TYPE IIA; RICKETS, HEREDITARY VITAMIN D-RESISTANT; RICKETS-ALOPECIA SYNDROME. Identifiers: Orphanet 93160, MedGen C0342646, MONDO:0010186, OMIM 277440.

Allele frequency attached by ClinVar (database versions not stated): 1000 Genomes Project 30x 0.00016.
gnomAD v4.1: 682 of 879,308 alleles (0.078%); highest among the groups gnomAD compares: Non-Finnish European, 0.086%; 2 homozygotes.

Submission:

Illumina Laboratory Services, Illumina
Classification: Uncertain significance for Vitamin D-dependent rickets type II with alopecia. Last evaluated: 2017-04-27. Review status: criteria provided, single submitter. Criteria: ICSL Variant Classification Criteria 13 December 2019. Collection method: clinical testing. Allele origin: germline.
Comment: This variant was observed as part of a predisposition screen in an ostensibly healthy population. A literature search was performed for the gene, cDNA change, and amino acid change (where applicable). Publications were found based on this search. However, the evidence from the literature, in combination with allele frequency data from public databases where available, was not sufficient to rule this variant in or out of causing disease. Therefore, this variant is classified as a variant of unknown significance.

Literature cited by the submitters: PubMed 26631034; PubMed 23180655; PubMed 20200114.

NM_000376.3(VDR):c.-84+5133G>T

Gene: VDR (vitamin D receptor; minus strand). Cytogenetic location: 12q13.11.
Variant type: single nucleotide variant.
Coding change: c.-84+5133G>T on transcript NM_000376.3 (MANE Select); 5133 bases into the intron after 84 bases upstream of the start codon, G replaced by T.
Molecular consequence: intron variant.
Genome position (GRCh38, 1-based): chr12:47,899,822, C>A on the plus strand (G>T on the coding strand, the complement: VDR is on the minus strand). VCF-style: chr12-47899822-C-A. GRCh37 (hg19) VCF-style: chr12-48293605-C-A.
Other names: c.-3+5133G>T (NM_001374662.1); c.-84+5133G>T (NM_001364085.2); c.-84+15G>T (NM_001017535.2); c.67+4742G>T (NM_001017536.2); c.-3+15G>T (NM_001374661.1).
Identifiers: ClinVar variation 882627 (VCV000882627.4), dbSNP rs11168292, ClinGen allele CA236499440.